The following is an entry in ClinVar:

NM_206933.4(USH2A):c.2012G>A (p.Arg671Lys)

Gene: USH2A (usherin; minus strand). Cytogenetic location: 1q41.
Variant type: single nucleotide variant.
Coding change: c.2012G>A on transcript NM_206933.4 (MANE Select); coding-DNA position 2012, G replaced by A.
Protein change: p.Arg671Lys; replaces arginine 671 with lysine.
Molecular consequence: missense variant.
Genome position (GRCh38, 1-based): chr1:216,251,058, C>T on the plus strand (G>A on the coding strand, the complement: USH2A is on the minus strand). VCF-style: chr1-216251058-C-T. GRCh37 (hg19) VCF-style: chr1-216424400-C-T.
Other names: c.2012G>A, p.Arg671Lys (NM_007123.6); short protein forms R671K.
Identifiers: ClinVar variation 3573639 (VCV003573639.3).
Genomic context (GRCh38, chr1:216,251,058, plus strand): 5'-CAGCCATCAGGATCCAACTCTTGTAGATTGTAGAATCCATTCTGGCACTGATTGCACTGC[C>T]TGCCAGACACGTGTCTCTTACAATTACACTGTCCTCCAATCTAGAGAAGATACAACATTT-3'
Protein context (NP_996816.3, residues 661-681): QCNCKRHVSG[Arg671Lys]QCNQCQNGFY

ClinVar aggregate classification (germline): Uncertain significance. Review status: criteria provided, multiple submitters, no conflicts (2 of 4 stars). 3 submissions from 3 submitters: Uncertain significance (3). Last evaluated 2026-04-06.

Conditions:
Inborn genetic diseases. Identifiers: MedGen C0950123, MeSH D030342.

gnomAD v4.1: 36 of 1,613,930 alleles (0.0022%); highest among the groups gnomAD compares: Non-Finnish European, 0.0029%; no homozygotes.

Submissions (3):

Ambry Genetics
Classification: Uncertain significance for Inborn genetic diseases. Last evaluated: 2026-04-06. Review status: criteria provided, single submitter. Criteria: Ambry Variant Classification Scheme 2023. Collection method: clinical testing. Allele origin: germline.

Blueprint Genetics
Classification: Uncertain significance. Last evaluated: 2024-09-04. Review status: criteria provided, single submitter. Criteria: ACMG Guidelines, 2015. Collection method: clinical testing. Allele origin: germline.

GeneDx
Classification: Uncertain significance. Last evaluated: 2024-07-15. Review status: criteria provided, single submitter. Criteria: GeneDx Variant Classification Process June 2021. Collection method: clinical testing. Allele origin: germline. Affected: yes.
Comment: In silico analysis indicates that this missense variant does not alter protein structure/function; Has not been previously published as pathogenic or benign to our knowledge